The following is an entry in ClinVar:

NM_022436.3(ABCG5):c.1593C>A (p.Asn531Lys)

Genes: ABCG5 (ATP binding cassette subfamily G member 5; minus strand), DYNC2LI1 (dynein cytoplasmic 2 light intermediate chain 1; plus strand). Cytogenetic location: 2p21.
Variant type: single nucleotide variant.
Coding change: c.1593C>A on transcript NM_022436.3 (MANE Select); coding-DNA position 1593, C replaced by A.
Protein change: p.Asn531Lys; replaces asparagine 531 with lysine.
Molecular consequence: missense variant. On other transcripts: intron variant (2).
Genome position (GRCh38, 1-based): chr2:43,819,971, G>T on the plus strand (C>A on the coding strand, the complement: ABCG5 is on the minus strand). VCF-style: chr2-43819971-G-T. GRCh37 (hg19) VCF-style: chr2-44047110-G-T.
Other names: c.*16-7415G>T (NM_001348913.2, NM_001348912.2); short protein forms N531K.
Identifiers: ClinVar variation 1939772 (VCV001939772.4), dbSNP rs1346546890, ClinGen allele CA346662866.

ClinVar aggregate classification (germline): Uncertain significance. Review status: criteria provided, multiple submitters, no conflicts (2 of 4 stars). 2 submissions from 2 submitters: Uncertain significance (2). Last evaluated 2024-10-11.

Conditions:
Sitosterolemia (STSL). Also called: PHYTOSTEROLEMIA. Identifiers: Orphanet 2882, MedGen C0342907, MONDO:0008863.
Cardiovascular phenotype. Identifiers: MedGen CN230736.

Submissions (2):

Labcorp Genetics (formerly Invitae), Labcorp
Classification: Uncertain significance for Sitosterolemia. Last evaluated: 2024-10-11. Review status: criteria provided, single submitter. Criteria: Invitae Variant Classification Sherloc (09022015). Collection method: clinical testing. Allele origin: germline.
Comment: This sequence change replaces asparagine, which is neutral and polar, with lysine, which is basic and polar, at codon 531 of the ABCG5 protein (p.Asn531Lys). This variant is not present in population databases (gnomAD no frequency). This variant has not been reported in the literature in individuals affected with ABCG5-related conditions. ClinVar contains an entry for this variant (Variation ID: 1939772). An algorithm developed to predict the effect of missense changes on protein structure and function (PolyPhen-2) suggests that this variant is likely to be disruptive. In summary, the available evidence is currently insufficient to determine the role of this variant in disease. Therefore, it has been classified as a Variant of Uncertain Significance.

Ambry Genetics
Classification: Uncertain significance for Cardiovascular phenotype. Last evaluated: 2023-08-03. Review status: criteria provided, single submitter. Criteria: Ambry Variant Classification Scheme 2023. Collection method: clinical testing. Allele origin: germline.
Comment: The p.N531K variant (also known as c.1593C>A), located in coding exon 11 of the ABCG5 gene, results from a C to A substitution at nucleotide position 1593. The asparagine at codon 531 is replaced by lysine, an amino acid with similar properties. This amino acid position is conserved. In addition, this alteration is predicted to be tolerated by in silico analysis. Since supporting evidence is limited at this time, the clinical significance of this alteration remains unclear.